The following is an entry in ClinVar:

NM_000257.4(MYH7):c.4288G>A (p.Val1430Met)

Genes: MHRT (myosin heavy chain associated RNA transcript; plus strand), MYH7 (myosin heavy chain 7; minus strand). Cytogenetic location: 14q11.2.
Variant type: single nucleotide variant.
Coding change: c.4288G>A on transcript NM_000257.4 (MANE Select); coding-DNA position 4288, G replaced by A.
Protein change: p.Val1430Met; replaces valine 1430 with methionine.
Molecular consequence: missense variant. On other transcripts: non-coding transcript variant (1).
Genome position (GRCh38, 1-based): chr14:23,417,568, C>T on the plus strand (G>A on the coding strand, the complement: MYH7 is on the minus strand). VCF-style: chr14-23417568-C-T. GRCh37 (hg19) VCF-style: chr14-23886777-C-T.
Other names: c.4288G>A, p.Val1430Met (NM_001407004.1); short protein forms V1430M.
Identifiers: ClinVar variation 4757620 (VCV004757620.1).
Genomic context (GRCh38, chr14:23,417,568, plus strand): 5'-CGAAGTTCCTCTGCTTCTTGTCCAGGGCTGCAGCAGCAGCATTGGAGCGCTCTACGTCCA[C>T]CATCAAGTCCTCGATCTCATTCTGTAGCCGGTGCTTGGTCTTCTCCAGCGAGGAGCACTT-3'
Protein context (NP_000248.2, residues 1420-1440): RLQNEIEDLM[Val1430Met]DVERSNAAAA

ClinVar aggregate classification (germline): Uncertain significance (1 of 4 stars; one submission).

Conditions:
Cardiomyopathy (CMYO). Also called: Cardiomyopathies. Identifiers: Orphanet 167848, MedGen C0878544, MONDO:0004994, HP:0001638. Inheritance: Various modes of inheritance.

gnomAD v4.1: 16 of 1,612,488 alleles (0.00099%); highest among the groups gnomAD compares: Admixed American, 0.0017%; no homozygotes.

Submission:

Color Diagnostics, LLC DBA Color Health
Classification: Uncertain significance for Cardiomyopathy. Last evaluated: 2025-07-03. Review status: criteria provided, single submitter. Criteria: ACMG Guidelines, 2015. Collection method: clinical testing. Allele origin: germline.
Comment: This missense variant replaces valine with methionine at codon 1430 of the MYH7 protein. Computational prediction is inconclusive regarding the impact of this variant on protein structure and function. To our knowledge, functional studies have not been reported for this variant. This variant has been reported in an individual affected with hypertrophic cardiomyopathy (PMID: 33495597). This variant has not been identified in the general population by the Genome Aggregation Database (gnomAD). The available evidence is insufficient to determine the role of this variant in disease conclusively. Therefore, this variant is classified as a Variant of Uncertain Significance.

Literature cited by the submitters: PubMed 33495597.